The following is an entry in ClinVar:

NM_001397.3(ECE1):c.1335T>C (p.Phe445=)

Gene: ECE1 (endothelin converting enzyme 1; minus strand). Cytogenetic location: 1p36.12.
Variant type: single nucleotide variant.
Coding change: c.1335T>C on transcript NM_001397.3 (MANE Select); coding-DNA position 1335, T replaced by C.
Protein change: p.Phe445=; no amino-acid change (phenylalanine 445 retained).
Molecular consequence: synonymous variant.
Genome position (GRCh38, 1-based): chr1:21,238,188, A>G on the plus strand (T>C on the coding strand, the complement: ECE1 is on the minus strand). VCF-style: chr1-21238188-A-G. GRCh37 (hg19) VCF-style: chr1-21564681-A-G.
Other names: c.1299T>C, p.Phe433= (NM_001113347.2); c.1287T>C, p.Phe429= (NM_001113348.2); c.1326T>C, p.Phe442= (NM_001113349.2).
Identifiers: ClinVar variation 3771626 (VCV003771626.13).

ClinVar aggregate classification (germline): Likely benign (1 of 4 stars; one submission).

gnomAD v4.1: 1 of 1,614,240 alleles (0.000062%); highest among the groups gnomAD compares: Non-Finnish European, 0.000085%; no homozygotes.

Submission:

CeGaT Center for Human Genetics Tuebingen
Classification: Likely benign. Last evaluated: 2025-01-01. Review status: criteria provided, single submitter. Criteria: CeGaT Center For Human Genetics Tuebingen Variant Classification Criteria Version 2. Collection method: clinical testing. Allele origin: germline. Affected: yes. Observed: 1 variant allele.
Comment: ECE1: BP4, BP7